The following is an entry in ClinVar:

NM_013275.6(ANKRD11):c.5810G>A (p.Gly1937Asp)

Gene: ANKRD11 (ankyrin repeat domain containing 11; minus strand). Cytogenetic location: 16q24.3.
Variant type: single nucleotide variant.
Coding change: c.5810G>A on transcript NM_013275.6 (MANE Select); coding-DNA position 5810, G replaced by A.
Protein change: p.Gly1937Asp; replaces glycine 1937 with aspartic acid.
Molecular consequence: missense variant.
Genome position (GRCh38, 1-based): chr16:89,280,732, C>T on the plus strand (G>A on the coding strand, the complement: ANKRD11 is on the minus strand). VCF-style: chr16-89280732-C-T. GRCh37 (hg19) VCF-style: chr16-89347140-C-T.
Other names: c.5810G>A (NM_013275.5); c.5810G>A, p.Gly1937Asp (NM_001256182.2, NM_001256183.2); short protein forms G1937D.
Identifiers: ClinVar variation 2301443 (VCV002301443.3), dbSNP rs762451759, ClinGen allele CA397152729.

ClinVar aggregate classification (germline): Uncertain significance. Review status: criteria provided, multiple submitters, no conflicts (2 of 4 stars). 2 submissions from 2 submitters: Uncertain significance (2). Last evaluated 2022-09-20.

Conditions:
Inborn genetic diseases. Identifiers: MedGen C0950123, MeSH D030342.
ANKRD11-related disorder. Also called: ANKRD11-related condition.

Allele frequency attached by ClinVar (database versions not stated): TOPMed below 0.00001; gnomAD 0.00001.
gnomAD v4.1: 9 of 1,613,176 alleles (0.00056%); highest among the groups gnomAD compares: Non-Finnish European, 0.00076%; no homozygotes.

Submissions (2):

PreventionGenetics, part of Exact Sciences
Classification: Uncertain significance for ANKRD11-related condition. Last evaluated: 2022-09-20. Review status: criteria provided, single submitter. Criteria: ACMG Guidelines, 2015. Collection method: clinical testing. Allele origin: germline.
Comment: The ANKRD11 c.5810G>A variant is predicted to result in the amino acid substitution p.Gly1937Asp. To our knowledge, this variant has not been reported in the literature. This variant is reported in 0.0065% of alleles in individuals of European (Non-Finnish) descent in gnomAD. At this time, the clinical significance of this variant is uncertain due to the absence of conclusive functional and genetic evidence.

Ambry Genetics
Classification: Uncertain significance for Inborn genetic diseases. Last evaluated: 2022-07-13. Review status: criteria provided, single submitter. Criteria: Ambry Variant Classification Scheme 2023. Collection method: clinical testing. Allele origin: germline.